The following is an entry in ClinVar:

NM_015166.4(MLC1):c.35A>C (p.Tyr12Ser)

Gene: MLC1 (modulator of VRAC current 1; minus strand). Cytogenetic location: 22q13.33.
Variant type: single nucleotide variant.
Coding change: c.35A>C on transcript NM_015166.4 (MANE Select); coding-DNA position 35, A replaced by C.
Protein change: p.Tyr12Ser; replaces tyrosine 12 with serine.
Molecular consequence: missense variant. On other transcripts: non-coding transcript variant (3), intron variant (1).
Genome position (GRCh38, 1-based): chr22:50,084,868, T>G on the plus strand (A>C on the coding strand, the complement: MLC1 is on the minus strand). VCF-style: chr22-50084868-T-G. GRCh37 (hg19) VCF-style: chr22-50523297-T-G.
Other names: c.35A>C, p.Tyr12Ser (NM_001376472.1, NM_001376473.1, NM_001376474.1 and 10 more transcripts); c.-59+487A>C (NM_001376484.1); short protein forms Y12S.
Identifiers: ClinVar variation 342110 (VCV000342110.8), dbSNP rs142192701, ClinGen allele CA10303700.
Genomic context (GRCh38, chr22:50,084,868, plus strand): 5'-GCGTCTGGGGCATAGCTGGCGGGGTCTTGCCGGCCCCGCTCCAGCGTGGGCATCCGGTCA[T>G]AGGCCAGCTCCTCTCTGAATGGCTCCTGGGTCATGGCACTTGGGGACACCACAGCTGTGC-3'
Protein context (NP_055981.1, residues 2-22): TQEPFREELA[Tyr12Ser]DRMPTLERGR

ClinVar aggregate classification (germline): Uncertain significance. Review status: criteria provided, multiple submitters, no conflicts (2 of 4 stars). 3 submissions from 3 submitters: Uncertain significance (3). Last evaluated 2024-02-29.

Conditions:
Megalencephalic leukoencephalopathy with subcortical cysts 1 (MLC1). Also called: LEUKOENCEPHALOPATHY WITH SWELLING AND CYSTS; VACUOLATING MEGALENCEPHALIC LEUKOENCEPHALOPATHY WITH SUBCORTICAL CYSTS. Identifiers: Orphanet 2478, MedGen C5779875, MONDO:0024555, OMIM 604004.

Allele frequency attached by ClinVar (database versions not stated): TOPMed 0.00002; 1000 Genomes Project 30x 0.00016.

Submissions (3):

Labcorp Genetics (formerly Invitae), Labcorp
Classification: Uncertain significance. Last evaluated: 2024-02-29. Review status: criteria provided, single submitter. Criteria: Invitae Variant Classification Sherloc (09022015). Collection method: clinical testing. Allele origin: germline.
Comment: This sequence change replaces tyrosine, which is neutral and polar, with serine, which is neutral and polar, at codon 12 of the MLC1 protein (p.Tyr12Ser). This variant is present in population databases (rs142192701, gnomAD 0.09%). This variant has not been reported in the literature in individuals affected with MLC1-related conditions. ClinVar contains an entry for this variant (Variation ID: 342110). Advanced modeling of protein sequence and biophysical properties (such as structural, functional, and spatial information, amino acid conservation, physicochemical variation, residue mobility, and thermodynamic stability) has been performed at Invitae for this missense variant, however the output from this modeling did not meet the statistical confidence thresholds required to predict the impact of this variant on MLC1 protein function. In summary, the available evidence is currently insufficient to determine the role of this variant in disease. Therefore, it has been classified as a Variant of Uncertain Significance.

Blueprint Genetics
Classification: Uncertain significance. Last evaluated: 2022-11-08. Review status: criteria provided, single submitter. Criteria: ACMG Guidelines, 2015. Collection method: clinical testing. Allele origin: germline.

Illumina Laboratory Services, Illumina
Classification: Uncertain significance for Megalencephalic leukoencephalopathy with subcortical cysts 1. Last evaluated: 2018-01-12. Review status: criteria provided, single submitter. Criteria: ICSL Variant Classification Criteria 13 December 2019. Collection method: clinical testing. Allele origin: germline.